The following is an entry in ClinVar:

NM_000535.7(PMS2):c.1162C>T (p.His388Tyr)

Gene: PMS2 (PMS1 homolog 2, mismatch repair system component; minus strand). Cytogenetic location: 7p22.1.
Variant type: single nucleotide variant.
Coding change: c.1162C>T on transcript NM_000535.7 (MANE Select); coding-DNA position 1162, C replaced by T.
Protein change: p.His388Tyr; replaces histidine 388 with tyrosine.
Molecular consequence: missense variant. On other transcripts: non-coding transcript variant (1).
Genome position (GRCh38, 1-based): chr7:5,987,603, G>A on the plus strand (C>T on the coding strand, the complement: PMS2 is on the minus strand). VCF-style: chr7-5987603-G-A. GRCh37 (hg19) VCF-style: chr7-6027234-G-A.
Other names: c.757C>T, p.His253Tyr (NM_001322003.2, NM_001322004.2, NM_001322005.2 and 1 more transcripts); c.1006C>T, p.His336Tyr (NM_001322006.2); c.844C>T, p.His282Tyr (NM_001322007.2, NM_001322008.2); c.601C>T, p.His201Tyr (NM_001322010.2); c.229C>T, p.His77Tyr (NM_001322011.2, NM_001322012.2); c.589C>T, p.His197Tyr (NM_001322013.2); c.1162C>T, p.His388Tyr (NM_001322014.2); c.853C>T, p.His285Tyr (NM_001322015.2); short protein forms H282Y, H285Y, H77Y, H197Y, H201Y, H336Y, H253Y, H388Y.
Identifiers: ClinVar variation 954813 (VCV000954813.9), dbSNP rs1783188601, ClinGen allele CA366742666.

ClinVar aggregate classification (germline): Uncertain significance (1 of 4 stars; one submission).

Conditions:
Hereditary nonpolyposis colorectal neoplasms. Identifiers: MedGen C0009405, MeSH D003123.

Submission:

Labcorp Genetics (formerly Invitae), Labcorp
Classification: Uncertain significance for Hereditary nonpolyposis colorectal neoplasms. Last evaluated: 2025-10-16. Review status: criteria provided, single submitter. Criteria: Invitae Variant Classification Sherloc (09022015). Collection method: clinical testing. Allele origin: germline.
Comment: This sequence change replaces histidine, which is basic and polar, with tyrosine, which is neutral and polar, at codon 388 of the PMS2 protein (p.His388Tyr). This variant is not present in population databases (gnomAD no frequency). This variant has not been reported in the literature in individuals affected with PMS2-related conditions. ClinVar contains an entry for this variant (Variation ID: 954813). Invitae Evidence Modeling incorporating data from in vitro experimental studies (internal data) indicates that this missense variant is not expected to disrupt PMS2 function with a negative predictive value of 95%. In summary, the available evidence is currently insufficient to determine the role of this variant in disease. Therefore, it has been classified as a Variant of Uncertain Significance.